The following is an entry in ClinVar:

NM_052947.4(ALPK2):c.1586G>C (p.Arg529Thr)

Gene: ALPK2 (alpha kinase 2; minus strand). Cytogenetic location: 18q21.31.
Variant type: single nucleotide variant.
Coding change: c.1586G>C on transcript NM_052947.4 (MANE Select); coding-DNA position 1586, G replaced by C.
Protein change: p.Arg529Thr; replaces arginine 529 with threonine.
Molecular consequence: missense variant.
Genome position (GRCh38, 1-based): chr18:58,579,190, C>G on the plus strand (G>C on the coding strand, the complement: ALPK2 is on the minus strand). VCF-style: chr18-58579190-C-G. GRCh37 (hg19) VCF-style: chr18-56246422-C-G.
Other names: short protein forms R529T.
Identifiers: ClinVar variation 1775806 (VCV001775806.2), dbSNP rs373512950, ClinGen allele CA402561845.

ClinVar aggregate classification (germline): Uncertain significance (1 of 4 stars; one submission).

gnomAD v4.1: 1 of 1,614,108 alleles (0.000062%); highest among the groups gnomAD compares: Non-Finnish European, 0.000085%; no homozygotes.

Submission:

Ambry Genetics
Classification: Uncertain significance. Last evaluated: 2022-05-04. Review status: criteria provided, single submitter. Criteria: Ambry Variant Classification Scheme 2023. Collection method: clinical testing. Allele origin: germline.
Comment: The p.R529T variant (also known as c.1586G>C), located in coding exon 3 of the ALPK2 gene, results from a G to C substitution at nucleotide position 1586. The arginine at codon 529 is replaced by threonine, an amino acid with similar properties. This amino acid position is conserved. In addition, this alteration is predicted to be tolerated by in silico analysis. Since supporting evidence is limited at this time, the clinical significance of this alteration remains unclear.